The following is an entry in ClinVar:

ClinVar aggregate classification (germline): Uncertain significance (1 of 4 stars; one submission).

Conditions:
Primary ciliary dyskinesia. Also called: Ciliary dyskinesia. Identifiers: Orphanet 244, MedGen C0008780, MONDO:0016575, HP:0012265.

gnomAD v4.1: 3 of 1,586,892 alleles (0.00019%); highest among the groups gnomAD compares: African/African-American, 0.0013%; no homozygotes.

Submission:

Ambry Genetics
Classification: Uncertain significance for Primary ciliary dyskinesia. Last evaluated: 2025-04-14. Review status: criteria provided, single submitter. Criteria: Ambry Variant Classification Scheme 2023. Collection method: clinical testing. Allele origin: germline.
Comment: The p.I111T variant (also known as c.332T>C), located in coding exon 3 of the CCDC39 gene, results from a T to C substitution at nucleotide position 332. The isoleucine at codon 111 is replaced by threonine, an amino acid with similar properties. This amino acid position is conserved. In addition, this alteration is predicted to be tolerated by in silico analysis. Based on the available evidence, the clinical significance of this variant remains unclear.

NM_181426.2(CCDC39):c.332T>C (p.Ile111Thr)

Gene: CCDC39 (coiled-coil domain 39 molecular ruler complex subunit; minus strand). Cytogenetic location: 3q26.33.
Variant type: single nucleotide variant.
Coding change: c.332T>C on transcript NM_181426.2 (MANE Select); coding-DNA position 332, T replaced by C.
Protein change: p.Ile111Thr; replaces isoleucine 111 with threonine.
Molecular consequence: missense variant.
Genome position (GRCh38, 1-based): chr3:180,661,886, A>G on the plus strand (T>C on the coding strand, the complement: CCDC39 is on the minus strand). VCF-style: chr3-180661886-A-G. GRCh37 (hg19) VCF-style: chr3-180379674-A-G.
Other names: short protein forms I111T.
Identifiers: ClinVar variation 3996990 (VCV003996990.1).